The following is an entry in ClinVar:

ClinVar aggregate classification (germline): Benign. Review status: criteria provided, multiple submitters, no conflicts (2 of 4 stars). 3 submissions from 3 submitters: Benign (3). Last evaluated 2025-04-09.

Allele frequency attached by ClinVar (database versions not stated): gnomAD exomes 0.00148; ExAC 0.00171; gnomAD 0.00527 and 0.00558; TOPMed 0.00578; 1000 Genomes Project 30x 0.00703; ESP Exome Variant Server 0.00708; 1000 Genomes Project 0.00739.
gnomAD v4.1: 1,584 of 1,611,664 alleles (0.098%); highest among the groups gnomAD compares: African/African-American, 1.8%; 14 homozygotes.

Submissions (3):

Molecular Diagnostic Laboratory for Inherited Cardiovascular Disease, Montreal Heart Institute
Classification: Benign. Last evaluated: 2025-04-09. Review status: criteria provided, single submitter. Criteria: ACMG Guidelines, 2015. Collection method: clinical testing. Allele origin: germline. Affected: no.
Comment: BS1;BP6;BP7

Labcorp Genetics (formerly Invitae), Labcorp
Classification: Benign. Last evaluated: 2018-04-05. Review status: criteria provided, single submitter. Criteria: Invitae Variant Classification Sherloc (09022015). Collection method: clinical testing. Allele origin: germline.

Breakthrough Genomics
Classification: Benign. Review status: criteria provided, single submitter. Criteria: ACMG Guidelines, 2015. Collection method: not provided. Allele origin: germline. Inheritance: Unknown mechanism. Affected: yes.

NM_006663.4(PPP1R13L):c.2106G>A (p.Ser702=)

Gene: PPP1R13L (protein phosphatase 1 regulatory subunit 13 like; minus strand). Cytogenetic location: 19q13.32.
Variant type: single nucleotide variant.
Coding change: c.2106G>A on transcript NM_006663.4 (MANE Select); coding-DNA position 2106, G replaced by A.
Protein change: p.Ser702=; no amino-acid change (serine 702 retained).
Molecular consequence: synonymous variant.
Genome position (GRCh38, 1-based): chr19:45,385,704, C>T on the plus strand (G>A on the coding strand, the complement: PPP1R13L is on the minus strand). VCF-style: chr19-45385704-C-T. GRCh37 (hg19) VCF-style: chr19-45888962-C-T.
Other names: c.2106G>A, p.Ser702= (NM_001142502.2); c.2106G>A (NM_006663.3).
Identifiers: ClinVar variation 783845 (VCV000783845.5), dbSNP rs35566234, ClinGen allele CA9514150.